The following is an entry in ClinVar:

NM_001170629.2(CHD8):c.4598G>A (p.Arg1533His)

Gene: CHD8 (chromodomain helicase DNA binding protein 8; minus strand). Cytogenetic location: 14q11.2.
Variant type: single nucleotide variant.
Coding change: c.4598G>A on transcript NM_001170629.2 (MANE Select); coding-DNA position 4598, G replaced by A.
Protein change: p.Arg1533His; replaces arginine 1533 with histidine.
Molecular consequence: missense variant.
Genome position (GRCh38, 1-based): chr14:21,400,280, C>T on the plus strand (G>A on the coding strand, the complement: CHD8 is on the minus strand). VCF-style: chr14-21400280-C-T. GRCh37 (hg19) VCF-style: chr14-21868439-C-T.
Other names: c.3761G>A, p.Arg1254His (NM_020920.4); short protein forms R1254H, R1533H.
Identifiers: ClinVar variation 3364689 (VCV003364689.2).
Genomic context (GRCh38, chr14:21,400,280, plus strand): 5'-CGGATCCAATCTGCCTTATGGATATCAAAAGTGCTTTGTGACTTTACTTTTTTTCCTTTG[C>T]GTCCACGAGGCACAGGGATAGATAGACCTGGGAAAGGGGAGACATCAAAGACTTGGATTG-3'
Protein context (NP_001164100.1, residues 1523-1543): SGLSIPVPRG[Arg1533His]KGKKVKSQST

ClinVar aggregate classification (germline): Uncertain significance (1 of 4 stars; one submission).

Submission:

GeneDx
Classification: Uncertain significance. Last evaluated: 2026-01-15. Review status: criteria provided, single submitter. Criteria: GeneDx Variant Classification Process June 2021. Collection method: clinical testing. Allele origin: germline.
Comment: Not observed at significant frequency in large population cohorts (gnomAD); In silico analysis supports that this missense variant has a deleterious effect on protein structure/function; Has not been previously published as pathogenic or benign to our knowledge